The following is an entry in ClinVar:

NM_003235.5(TG):c.2475T>A (p.Tyr825Ter)

Gene: TG (thyroglobulin; plus strand). Cytogenetic location: 8q24.22.
Variant type: single nucleotide variant.
Coding change: c.2475T>A on transcript NM_003235.5 (MANE Select); coding-DNA position 2475, T replaced by A.
Protein change: p.Tyr825Ter; replaces tyrosine 825 with a stop codon.
Molecular consequence: nonsense.
Genome position (GRCh38, 1-based): chr8:132,888,282, T>A. VCF-style: chr8-132888282-T-A. GRCh37 (hg19) VCF-style: chr8-133900527-T-A.
Other names: short protein forms Y825*.
Identifiers: ClinVar variation 2820067 (VCV002820067.3), dbSNP rs2489852945, ClinGen allele CA372236168.

ClinVar aggregate classification (germline): Pathogenic (1 of 4 stars; one submission).

Submission:

Labcorp Genetics (formerly Invitae), Labcorp
Classification: Pathogenic. Last evaluated: 2022-12-10. Review status: criteria provided, single submitter. Criteria: Invitae Variant Classification Sherloc (09022015). Collection method: clinical testing. Allele origin: germline.
Comment: For these reasons, this variant has been classified as Pathogenic. This variant has not been reported in the literature in individuals affected with TG-related conditions. This variant is not present in population databases (gnomAD no frequency). This sequence change creates a premature translational stop signal (p.Tyr825*) in the TG gene. It is expected to result in an absent or disrupted protein product. Loss-of-function variants in TG are known to be pathogenic (PMID: 19837936, 23164529).

Literature cited by the submitters: PubMed 19837936; PubMed 23164529.